The following is an entry in ClinVar:

NM_000245.4(MET):c.1606G>T (p.Val536Phe)

Gene: MET (MET proto-oncogene, receptor tyrosine kinase; plus strand). Cytogenetic location: 7q31.2.
Variant type: single nucleotide variant.
Coding change: c.1606G>T on transcript NM_000245.4 (MANE Select); coding-DNA position 1606, G replaced by T.
Protein change: p.Val536Phe; replaces valine 536 with phenylalanine.
Molecular consequence: missense variant.
Genome position (GRCh38, 1-based): chr7:116,740,930, G>T. VCF-style: chr7-116740930-G-T. GRCh37 (hg19) VCF-style: chr7-116380984-G-T.
Other names: c.1606G>T, p.Val536Phe (NM_001127500.3, NM_001324401.3); c.316G>T, p.Val106Phe (NM_001324402.2); short protein forms V106F, V536F.
Identifiers: ClinVar variation 4860001 (VCV004860001.1).

ClinVar aggregate classification (germline): Uncertain significance (1 of 4 stars; one submission).

Conditions:
Hereditary cancer-predisposing syndrome. Also called: Neoplastic Syndromes, Hereditary; Tumor predisposition; Hereditary Cancer Syndrome; Hereditary neoplastic syndrome. Identifiers: Orphanet 140162, MedGen C0027672, MeSH D009386, MONDO:0015356.

Submission:

Ambry Genetics
Classification: Uncertain significance for Hereditary cancer-predisposing syndrome. Last evaluated: 2026-06-02. Review status: criteria provided, single submitter. Criteria: Ambry Variant Classification Scheme 2023. Collection method: clinical testing. Allele origin: germline.
Comment: The p.V536F variant (also known as c.1606G>T), located in coding exon 4 of the MET gene, results from a G to T substitution at nucleotide position 1606. The valine at codon 536 is replaced by phenylalanine, an amino acid with highly similar properties. This amino acid position is well conserved in available vertebrate species. In addition, the in silico prediction for this alteration is inconclusive. Based on the available evidence, the clinical significance of this variant remains unclear.